The following is an entry in ClinVar:

NM_014425.5(INVS):c.342_343del (p.Glu114fs)

Gene: INVS (inversin; plus strand). Cytogenetic location: 9q31.1.
Variant type: Microsatellite.
Coding change: c.342_343del on transcript NM_014425.5 (MANE Select); coding-DNA positions 342 to 343, 2 bases deleted (GA; older notation c.342_343delGA).
Protein change: p.Glu114fs; shifts the reading frame from glutamic acid 114.
Molecular consequence: frameshift variant. On other transcripts: 5 prime UTR variant (1), non-coding transcript variant (1).
Genome position (GRCh38, 1-based): chr9:100,226,130-100,226,131, GA deleted; deleting any 2 consecutive bases within chr9:100,226,127-100,226,131 gives the same sequence; the c. name uses the placement nearest the transcript's 3' end. VCF-style (leftmost placement, unchanged base first): chr9-100226126-AAG-A. GRCh37 (hg19) VCF-style: chr9-102988408-AAG-A.
Other names: c.54_55del, p.Glu18fs (NM_001318381.2); c.-650GA[1] (NM_001318382.2); short protein forms E114fs, E18fs.
Identifiers: ClinVar variation 2421205 (VCV002421205.6), dbSNP rs778745264, ClinGen allele CA5158142.
Genomic context (GRCh38, chr9:100,226,126, plus strand): 5'-ATTATCGTTTCATGAAACTCTTACTTACACGCAGAGCAAACTGGATGCAAAAGGATCTGG[AAG>A]AGATGACTCCTTTGCACTTGACCACCCGGCACAGGAGCCCTAAGTGTTTGGCACTTCTGC-3'

ClinVar aggregate classification (germline): Pathogenic (1 of 4 stars; one submission).

Conditions:
Nephronophthisis. Also called: Juvenile Nephronophthisis. Identifiers: Orphanet 655, MedGen C0687120, MONDO:0019005, HP:0000090.

Submission:

Labcorp Genetics (formerly Invitae), Labcorp
Classification: Pathogenic for Nephronophthisis. Last evaluated: 2023-10-23. Review status: criteria provided, single submitter. Criteria: Invitae Variant Classification Sherloc (09022015). Collection method: clinical testing. Allele origin: germline.
Comment: This sequence change creates a premature translational stop signal (p.Glu114Aspfs*14) in the INVS gene. It is expected to result in an absent or disrupted protein product. Loss-of-function variants in INVS are known to be pathogenic (PMID: 12872123). This variant is present in population databases (rs778745264, gnomAD 0.0009%). This variant has not been reported in the literature in individuals affected with INVS-related conditions. For these reasons, this variant has been classified as Pathogenic.

Literature cited by the submitters: PubMed 12872123.